The following is an entry in ClinVar:

NM_004415.4(DSP):c.6530C>A (p.Thr2177Asn)

Gene: DSP (desmoplakin; plus strand). Cytogenetic location: 6p24.3.
Variant type: single nucleotide variant.
Coding change: c.6530C>A on transcript NM_004415.4 (MANE Select); coding-DNA position 6530, C replaced by A.
Protein change: p.Thr2177Asn; replaces threonine 2177 with asparagine.
Molecular consequence: missense variant.
Genome position (GRCh38, 1-based): chr6:7,583,792, C>A. VCF-style: chr6-7583792-C-A. GRCh37 (hg19) VCF-style: chr6-7584025-C-A.
Other names: c.4733C>A, p.Thr1578Asn (NM_001008844.3); c.5201C>A, p.Thr1734Asn (NM_001319034.2); short protein forms T1578N, T1734N, T2177N.
Identifiers: ClinVar variation 2136365 (VCV002136365.4), dbSNP rs1203495729, ClinGen allele CA362690990.

ClinVar aggregate classification (germline): Uncertain significance (1 of 4 stars; one submission).

Conditions:
Arrhythmogenic right ventricular dysplasia 8 (ARVD8). Also called: ARRHYTHMOGENIC RIGHT VENTRICULAR DYSPLASIA, FAMILIAL, 8; ARRHYTHMOGENIC RIGHT VENTRICULAR CARDIOMYOPATHY 8; Arrhythmogenic Right Ventricular Dysplasia/Cardiomyopathy 8. Identifiers: MedGen C1843896, MONDO:0011831, OMIM 607450.
Arrhythmogenic cardiomyopathy with wooly hair and keratoderma. Also called: Dilated cardiomyopathy with woolly hair and keratoderma; PALMOPLANTAR KERATODERMA WITH LEFT VENTRICULAR CARDIOMYOPATHY AND WOOLLY HAIR; Arrhythmogenic cardiomyopathy with woolly hair and keratoderma; Carvajal syndrome. Identifiers: Orphanet 65282, MedGen C1854063, MONDO:0011581, OMIM 605676.

Allele frequency attached by ClinVar (database versions not stated): gnomAD exomes below 0.00001; TOPMed 0.00001.
gnomAD v4.1: 1 of 1,613,944 alleles (0.000062%); highest among the groups gnomAD compares: Non-Finnish European, 0.000085%; no homozygotes.

Submission:

Labcorp Genetics (formerly Invitae), Labcorp
Classification: Uncertain significance for Arrhythmogenic cardiomyopathy with wooly hair and keratoderma; Arrhythmogenic right ventricular dysplasia 8. Last evaluated: 2023-11-22. Review status: criteria provided, single submitter. Criteria: Invitae Variant Classification Sherloc (09022015). Collection method: clinical testing. Allele origin: germline.
Comment: This sequence change replaces threonine, which is neutral and polar, with asparagine, which is neutral and polar, at codon 2177 of the DSP protein (p.Thr2177Asn). This variant is present in population databases (no rsID available, gnomAD 0.0009%). This missense change has been observed in individual(s) with DSP-related conditions (PMID: 28416588). This variant is also known as c.4733C>A (p.T1578N). ClinVar contains an entry for this variant (Variation ID: 2136365). Algorithms developed to predict the effect of missense changes on protein structure and function output the following: SIFT: "Not Available"; PolyPhen-2: "Benign"; Align-GVGD: "Not Available". The asparagine amino acid residue is found in multiple mammalian species, which suggests that this missense change does not adversely affect protein function. In summary, the available evidence is currently insufficient to determine the role of this variant in disease. Therefore, it has been classified as a Variant of Uncertain Significance.

Literature cited by the submitters: PubMed 28416588.